The following is an entry in ClinVar:

ClinVar aggregate classification (germline): Benign (1 of 4 stars; one submission).

Allele frequency attached by ClinVar (database versions not stated): TOPMed 0.42043; 1000 Genomes Project 0.33167; 1000 Genomes Project 30x 0.33698; gnomAD 0.41221.
gnomAD v4.1: 62,862 of 151,886 alleles (41%); highest among the groups gnomAD compares: African/African-American, 55%; 13,873 homozygotes.

Submission:

GeneDx
Classification: Benign. Last evaluated: 2018-06-19. Review status: criteria provided, single submitter. Criteria: GeneDx Variant Classification (06012015). Collection method: clinical testing. Allele origin: germline. Affected: yes.
Comment: This variant is considered likely benign or benign based on one or more of the following criteria: it is a conservative change, it occurs at a poorly conserved position in the protein, it is predicted to be benign by multiple in silico algorithms, and/or has population frequency not consistent with disease.

NM_024809.5(TCTN2):c.891+281T>G

Gene: TCTN2 (tectonic family member 2; plus strand). Cytogenetic location: 12q24.31.
Variant type: single nucleotide variant.
Coding change: c.891+281T>G on transcript NM_024809.5 (MANE Select); 281 bases into the intron after coding-DNA position 891, T replaced by G.
Molecular consequence: intron variant.
Genome position (GRCh38, 1-based): chr12:123,688,458, T>G. VCF-style: chr12-123688458-T-G. GRCh37 (hg19) VCF-style: chr12-124173005-T-G.
Other names: c.888+281T>G (NM_001143850.3).
Identifiers: ClinVar variation 671913 (VCV000671913.1), dbSNP rs11829958, ClinGen allele CA13677938.